The following is an entry in ClinVar:

NM_032447.5(FBN3):c.2335G>A (p.Val779Ile)

Gene: FBN3 (fibrillin 3; minus strand). Cytogenetic location: 19p13.2.
Variant type: single nucleotide variant.
Coding change: c.2335G>A on transcript NM_032447.5 (MANE Select); coding-DNA position 2335, G replaced by A.
Protein change: p.Val779Ile; replaces valine 779 with isoleucine.
Molecular consequence: missense variant.
Genome position (GRCh38, 1-based): chr19:8,126,794, C>T on the plus strand (G>A on the coding strand, the complement: FBN3 is on the minus strand). VCF-style: chr19-8126794-C-T. GRCh37 (hg19) VCF-style: chr19-8191678-C-T.
Other names: c.2335G>A (NM_032447.3); c.2335G>A, p.Val779Ile (NM_001321431.2); short protein forms V779I.
Identifiers: ClinVar variation 2887919 (VCV002887919.4), dbSNP rs371816658, ClinGen allele CA9152928.

ClinVar aggregate classification (germline): Conflicting classifications of pathogenicity. Review status: criteria provided, conflicting classifications (1 of 4 stars). 2 submissions from 2 submitters: Uncertain significance (1); Likely benign (1). Last evaluated 2025-02-02.

Allele frequency attached by ClinVar (database versions not stated): ExAC 0.00008; ESP Exome Variant Server 0.00008; 1000 Genomes Project 30x 0.00016; 1000 Genomes Project 0.00020.
gnomAD v4.1: 85 of 1,587,450 alleles (0.0054%); highest among the groups gnomAD compares: African/African-American, 0.026%; no homozygotes.

Submissions (2):

Labcorp Genetics (formerly Invitae), Labcorp
Classification: Uncertain significance. Last evaluated: 2025-02-02. Review status: criteria provided, single submitter. Criteria: Invitae Variant Classification Sherloc (09022015). Collection method: clinical testing. Allele origin: germline.
Comment: This sequence change replaces valine, which is neutral and non-polar, with isoleucine, which is neutral and non-polar, at codon 779 of the FBN3 protein (p.Val779Ile). This variant is present in population databases (rs371816658, gnomAD 0.03%). This variant has not been reported in the literature in individuals affected with FBN3-related conditions. ClinVar contains an entry for this variant (Variation ID: 2887919). Invitae Evidence Modeling of protein sequence and biophysical properties (such as structural, functional, and spatial information, amino acid conservation, physicochemical variation, residue mobility, and thermodynamic stability) indicates that this missense variant is not expected to disrupt FBN3 protein function with a negative predictive value of 80%. In summary, the available evidence is currently insufficient to determine the role of this variant in disease. Therefore, it has been classified as a Variant of Uncertain Significance.

Ambry Genetics
Classification: Likely benign. Last evaluated: 2024-02-12. Review status: criteria provided, single submitter. Criteria: Ambry Variant Classification Scheme 2023. Collection method: clinical testing. Allele origin: germline.